The following is an entry in ClinVar:

ClinVar aggregate classification (germline): Uncertain significance (1 of 4 stars; one submission).

Submission:

Kariminejad - Najmabadi Pathology & Genetics Center
Classification: Uncertain significance. Last evaluated: 2023-09-26. Review status: criteria provided, single submitter. Criteria: ACMG Guidelines, 2015. Collection method: clinical testing. Allele origin: germline. Inheritance: Autosomal recessive inheritance. Affected: yes.
Comment: PM2_Moderate,PP3_Moderate

NM_014363.6(SACS):c.2186-3C>G

Gene: SACS (sacsin molecular chaperone; minus strand). Cytogenetic location: 13q12.12.
Variant type: single nucleotide variant.
Coding change: c.2186-3C>G on transcript NM_014363.6 (MANE Select); 3 bases into the intron before coding-DNA position 2186, C replaced by G.
Molecular consequence: intron variant.
Genome position (GRCh38, 1-based): chr13:23,341,693, G>C on the plus strand (C>G on the coding strand, the complement: SACS is on the minus strand). VCF-style: chr13-23341693-G-C. GRCh37 (hg19) VCF-style: chr13-23915832-G-C.
Other names: c.1745-3C>G (NM_001278055.2).
Identifiers: ClinVar variation 3896977 (VCV003896977.1).